The following is an entry in ClinVar:

NM_002471.4(MYH6):c.3733G>A (p.Ala1245Thr)

Gene: MYH6 (myosin heavy chain 6; minus strand). Cytogenetic location: 14q11.2.
Variant type: single nucleotide variant.
Coding change: c.3733G>A on transcript NM_002471.4 (MANE Select); coding-DNA position 3733, G replaced by A.
Protein change: p.Ala1245Thr; replaces alanine 1245 with threonine.
Molecular consequence: missense variant.
Genome position (GRCh38, 1-based): chr14:23,389,719, C>T on the plus strand (G>A on the coding strand, the complement: MYH6 is on the minus strand). VCF-style: chr14-23389719-C-T. GRCh37 (hg19) VCF-style: chr14-23858928-C-T.
Other names: short protein forms A1245T.
Identifiers: ClinVar variation 3400853 (VCV003400853.1).

ClinVar aggregate classification (germline): Uncertain significance (1 of 4 stars; one submission).

Conditions:
Cardiovascular phenotype. Identifiers: MedGen CN230736.

gnomAD v4.1: 4 of 1,614,056 alleles (0.00025%); highest among the groups gnomAD compares: Non-Finnish European, 0.00034%; no homozygotes.

Submission:

Ambry Genetics
Classification: Uncertain significance for Cardiovascular phenotype. Last evaluated: 2024-10-15. Review status: criteria provided, single submitter. Criteria: Ambry Variant Classification Scheme 2023. Collection method: clinical testing. Allele origin: germline.
Comment: The p.A1245T variant (also known as c.3733G>A), located in coding exon 25 of the MYH6 gene, results from a G to A substitution at nucleotide position c.3733. This variant impacts the first base pair of coding exon 25. The alanine at codon 1245 is replaced by threonine, an amino acid with similar properties. This amino acid position is not well conserved in available vertebrate species. In addition, this alteration is predicted to be tolerated by in silico analysis. Based on the available evidence, the clinical significance of this variant remains unclear.